The following is an entry in ClinVar:

NM_016938.5(EFEMP2):c.161-10C>T

Gene: EFEMP2 (EGF-like fibulin extracellular matrix protein 2; minus strand). Cytogenetic location: 11q13.1.
Variant type: single nucleotide variant.
Coding change: c.161-10C>T on transcript NM_016938.5 (MANE Select); 10 bases into the intron before coding-DNA position 161, C replaced by T.
Molecular consequence: intron variant.
Genome position (GRCh38, 1-based): chr11:65,871,373, G>A on the plus strand (C>T on the coding strand, the complement: EFEMP2 is on the minus strand). VCF-style: chr11-65871373-G-A. GRCh37 (hg19) VCF-style: chr11-65638844-G-A.
Identifiers: ClinVar variation 305384 (VCV000305384.20), dbSNP rs2234461, ClinGen allele CA6110750.
Genomic context (GRCh38, chr11:65,871,373, plus strand): 5'-ACTTCATTTCCCCCTTGCAGGCCTCAGGGATGGTCAGACACTCGTTGACATCTGCAGAGA[G>A]GGGCCTGCTGGGCACAGCCAGTCTCCTGGGCTGGCCCTGGAGGGAGCGGAGGCAGGAACC-3'

ClinVar aggregate classification (germline): Benign/Likely benign. Review status: criteria provided, multiple submitters, no conflicts (2 of 4 stars). 5 submissions from 5 submitters: Benign (3); Likely benign (2). Last evaluated 2026-01-25.

Conditions:
Cutis laxa, autosomal recessive, type 1B (ARCL1B). Also called: CUTIS LAXA, AUTOSOMAL RECESSIVE, TYPE IB; EFEMP2-Related Cutis Laxa. Identifiers: Orphanet 90349, MedGen C3280798, MONDO:0013754, OMIM 614437. Disease mechanism: loss of function.

Allele frequency attached by ClinVar (database versions not stated): gnomAD exomes 0.00032 and 0.00095; ExAC 0.00105; gnomAD 0.00362 and 0.00387; ESP Exome Variant Server 0.00377; TOPMed 0.00380; 1000 Genomes Project 30x 0.00390; 1000 Genomes Project 0.00419.

Submissions (5):

Labcorp Genetics (formerly Invitae), Labcorp
Classification: Benign for Cutis laxa, autosomal recessive, type 1B. Last evaluated: 2026-01-25. Review status: criteria provided, single submitter. Criteria: Invitae Variant Classification Sherloc (09022015). Collection method: clinical testing. Allele origin: germline.

Blueprint Genetics
Classification: Likely benign. Last evaluated: 2024-09-23. Review status: criteria provided, single submitter. Criteria: ACMG Guidelines, 2015. Collection method: clinical testing. Allele origin: germline.

Women's Health and Genetics/Laboratory Corporation of America, LabCorp
Classification: Benign. Last evaluated: 2023-08-24. Review status: criteria provided, single submitter. Criteria: LabCorp Variant Classification Summary - May 2015. Collection method: clinical testing. Allele origin: germline.

GeneDx
Classification: Likely benign. Last evaluated: 2021-02-04. Review status: criteria provided, single submitter. Criteria: GeneDx Variant Classification Process June 2021. Collection method: clinical testing. Allele origin: germline. Affected: yes.

Illumina Laboratory Services, Illumina
Classification: Benign for Cutis laxa, autosomal recessive, type 1B. Last evaluated: 2018-01-13. Review status: criteria provided, single submitter. Criteria: ICSL Variant Classification Criteria 13 December 2019. Collection method: clinical testing. Allele origin: germline.
Comment: This variant was observed in the ICSL laboratory as part of a predisposition screen in an ostensibly healthy population. It had not been previously curated by ICSL or reported in the Human Gene Mutation Database (HGMD: prior to June 1st, 2018), and was therefore a candidate for classification through an automated scoring system. Utilizing variant allele frequency, disease prevalence and penetrance estimates, and inheritance mode, an automated score was calculated to assess if this variant is too frequent to cause the disease. Based on the score and internal cut-off values, a variant classified as benign is not then subjected to further curation. The score for this variant resulted in a classification of benign for this disease.